The following is an entry in ClinVar:

ClinVar aggregate classification (germline): Likely benign. Review status: criteria provided, single submitter (1 of 4 stars). 2 submissions from 2 submitters: Likely benign (1). 1 of the submissions does not count toward it. Last evaluated 2025-11-27.

Conditions:
MYO5B-related disorder. Also called: MYO5B-related condition.

gnomAD v4.1: 25 of 1,614,070 alleles (0.0015%); highest among the groups gnomAD compares: South Asian, 0.024%; 1 homozygote.

Submissions (2):

Labcorp Genetics (formerly Invitae), Labcorp
Classification: Likely benign. Last evaluated: 2025-11-27. Review status: criteria provided, single submitter. Criteria: Invitae Variant Classification Sherloc (09022015). Collection method: clinical testing. Allele origin: germline.

PreventionGenetics, part of Exact Sciences
Classification: Likely benign for MYO5B-related condition. Last evaluated: 2022-10-31. Review status: no assertion criteria provided. Collection method: clinical testing. Allele origin: germline. Not counted in ClinVar's aggregate classification.
Comment: This variant is classified as likely benign based on ACMG/AMP sequence variant interpretation guidelines (Richards et al. 2015 PMID: 25741868, with internal and published modifications).

NM_001080467.3(MYO5B):c.3672C>G (p.Ala1224=)

Gene: MYO5B (myosin VB; minus strand). Cytogenetic location: 18q21.1.
Variant type: single nucleotide variant.
Coding change: c.3672C>G on transcript NM_001080467.3 (MANE Select); coding-DNA position 3672, C replaced by G.
Protein change: p.Ala1224=; no amino-acid change (alanine 1224 retained).
Molecular consequence: synonymous variant.
Genome position (GRCh38, 1-based): chr18:49,864,312, G>C on the plus strand (C>G on the coding strand, the complement: MYO5B is on the minus strand). VCF-style: chr18-49864312-G-C. GRCh37 (hg19) VCF-style: chr18-47390682-G-C.
Identifiers: ClinVar variation 796881 (VCV000796881.9), dbSNP rs749740852, ClinGen allele CA8960622.
Genomic context (GRCh38, chr18:49,864,312, plus strand): 5'-CAGCAGGAGGCTGTAGCTATCTGGGGAGCCGTGGCTGGAGTTATTCTGCGTGGCTTGGTC[G>C]GCCACGGCTTTCCTCAGCTCATTCAGGTCATTCTTCAGCTTTTTGTTCTCTGACTCCAGC-3'
Protein context (NP_001073936.1, residues 1214-1234): NDLNELRKAV[Ala1224=]DQATQNNSSH